The following is an entry in ClinVar:

ClinVar aggregate classification (germline): Uncertain significance (1 of 4 stars; one submission).

gnomAD v4.1: 13 of 1,607,050 alleles (0.00081%); highest among the groups gnomAD compares: South Asian, 0.013%; no homozygotes.

Submission:

Labcorp Genetics (formerly Invitae), Labcorp
Classification: Uncertain significance. Last evaluated: 2022-03-22. Review status: criteria provided, single submitter. Criteria: Invitae Variant Classification Sherloc (09022015). Collection method: clinical testing. Allele origin: germline.
Comment: In summary, the available evidence is currently insufficient to determine the role of this variant in disease. Therefore, it has been classified as a Variant of Uncertain Significance. Algorithms developed to predict the effect of missense changes on protein structure and function are either unavailable or do not agree on the potential impact of this missense change (SIFT: "Tolerated"; PolyPhen-2: "Possibly Damaging"; Align-GVGD: "Class C0"). This variant has not been reported in the literature in individuals affected with DOCK6-related conditions. This variant is present in population databases (rs749031100, gnomAD 0.01%). This sequence change replaces glutamic acid, which is acidic and polar, with glutamine, which is neutral and polar, at codon 1098 of the DOCK6 protein (p.Glu1098Gln).

NM_020812.4(DOCK6):c.3292G>C (p.Glu1098Gln)

Gene: DOCK6 (dedicator of cytokinesis 6; minus strand). Cytogenetic location: 19p13.2.
Variant type: single nucleotide variant.
Coding change: c.3292G>C on transcript NM_020812.4 (MANE Select); coding-DNA position 3292, G replaced by C.
Protein change: p.Glu1098Gln; replaces glutamic acid 1098 with glutamine.
Molecular consequence: missense variant.
Genome position (GRCh38, 1-based): chr19:11,222,197, C>G on the plus strand (G>C on the coding strand, the complement: DOCK6 is on the minus strand). VCF-style: chr19-11222197-C-G. GRCh37 (hg19) VCF-style: chr19-11332873-C-G.
Other names: c.3397G>C, p.Glu1133Gln (NM_001367830.1); short protein forms E1098Q, E1133Q.
Identifiers: ClinVar variation 1943923 (VCV001943923.5), dbSNP rs749031100, ClinGen allele CA9207299.
Genomic context (GRCh38, chr19:11,222,197, plus strand): 5'-CCAGCTCCGTCAGCAGGAGCCCAGCTAGGAAGTGCTGCTGCCGGAATGGTCCACTCAGTT[C>G]GAACATGCTGGTCACCTTGGGGTCCGGGGCTTGGCTGGAGAAGGTGGAGCTCTGCAGAGT-3'
Protein context (NP_065863.2, residues 1088-1108): APDPKVTSMF[Glu1098Gln]LSGPFRQQHF